The following is an entry in ClinVar:

NM_015629.4(PRPF31):c.763C>T (p.Gln255Ter)

Gene: PRPF31 (pre-mRNA processing factor 31; plus strand). Cytogenetic location: 19q13.42.
Variant type: single nucleotide variant.
Coding change: c.763C>T on transcript NM_015629.4 (MANE Select); coding-DNA position 763, C replaced by T.
Protein change: p.Gln255Ter; replaces glutamine 255 with a stop codon.
Molecular consequence: nonsense.
Genome position (GRCh38, 1-based): chr19:54,124,564, C>T. VCF-style: chr19-54124564-C-T. GRCh37 (hg19) VCF-style: chr19-54627943-C-T.
Other names: short protein forms Q255*.
Identifiers: ClinVar variation 3723674 (VCV003723674.3).

ClinVar aggregate classification (germline): Pathogenic. Review status: criteria provided, multiple submitters, no conflicts (2 of 4 stars). 2 submissions from 2 submitters: Pathogenic (2). Last evaluated 2025-12-30.

Conditions:
PRPF31-related disorder. Also called: PRPF31-related condition.

Submissions (2):

Labcorp Genetics (formerly Invitae), Labcorp
Classification: Pathogenic. Last evaluated: 2025-12-30. Review status: criteria provided, single submitter. Criteria: Invitae Variant Classification Sherloc (09022015). Collection method: clinical testing. Allele origin: germline.
Comment: This sequence change creates a premature translational stop signal (p.Gln255*) in the PRPF31 gene. It is expected to result in an absent or disrupted protein product. Loss-of-function variants in PRPF31 are known to be pathogenic (PMID: 18317597, 23950152). This variant is not present in population databases (gnomAD no frequency). This premature translational stop signal has been observed in individual(s) with retinitis pigmentosa (PMID: 24154662, 32531858). ClinVar contains an entry for this variant (Variation ID: 3723674). For these reasons, this variant has been classified as Pathogenic.

Blueprint Genetics
Classification: Pathogenic for PRPF31-related disorders. Last evaluated: 2022-08-22. Review status: criteria provided, single submitter. Criteria: ACMG Guidelines, 2015. Collection method: clinical testing. Allele origin: germline. Affected: yes. Observed: 1 variant allele.

Literature cited by the submitters: PubMed 18317597 (cited by Labcorp Genetics (formerly Invitae), Labcorp); PubMed 23950152 (cited by Labcorp Genetics (formerly Invitae), Labcorp); PubMed 24154662 (cited by Labcorp Genetics (formerly Invitae), Labcorp); PubMed 32531858 (cited by Labcorp Genetics (formerly Invitae), Labcorp).